The following is an entry in ClinVar:

NM_001715.3(BLK):c.742G>A (p.Gly248Arg)

Genes: BLK (BLK proto-oncogene, Src family tyrosine kinase), BLK-AS1 (BLK antisense RNA 1). Cytogenetic location: 8p23.1.
Variant type: single nucleotide variant.
Coding change: c.742G>A on transcript NM_001715.3 (MANE Select); coding-DNA position 742, G replaced by A.
Protein change: p.Gly248Arg; replaces glycine 248 with arginine.
Molecular consequence: missense variant.
Genome position (GRCh38, 1-based): chr8:11,555,454, G>A. VCF-style: chr8-11555454-G-A. GRCh37 (hg19) VCF-style: chr8-11412963-G-A.
Other names: c.529G>A, p.Gly177Arg (NM_001330465.2); short protein forms G177R, G248R.
Identifiers: ClinVar variation 1698621 (VCV001698621.1), dbSNP rs763307492, ClinGen allele CA370313975.

ClinVar aggregate classification (germline): Uncertain significance (1 of 4 stars; one submission).

gnomAD v4.1: 23 of 1,614,134 alleles (0.0014%); highest among the groups gnomAD compares: Middle Eastern, 0.016%; no homozygotes.

Submission:

Women's Health and Genetics/Laboratory Corporation of America, LabCorp
Classification: Uncertain significance. Last evaluated: 2022-06-23. Review status: criteria provided, single submitter. Criteria: LabCorp Variant Classification Summary - May 2015. Collection method: clinical testing. Allele origin: germline.
Comment: Variant summary: BLK c.742G>A (p.Gly248Arg) results in a non-conservative amino acid change located in the protein kinase domain (IPR000719) of the encoded protein sequence. Five of five in-silico tools predict a damaging effect of the variant on protein function. The variant allele was found at a frequency of 1.6e-05 in 251418 control chromosomes (gnomAD). The available data on variant occurrences in the general population are insufficient to allow any conclusion about variant significance. c.742G>A has been reported in the literature in at least one individual affected with Monogenic Diabetes, specifically maturity-onset diabetes of the young (e.g. Demirci_2021). To our knowledge, no experimental evidence demonstrating an impact on protein function has been reported. No clinical diagnostic laboratories have submitted clinical-significance assessments for this variant to ClinVar after 2014. Based on the evidence outlined above, the variant was classified as uncertain significance.

Literature cited by the submitters: PubMed 34171966.